The following is an entry in ClinVar:

GRCh37/hg19 16p11.2(chr16:29690418-30200285)x2

Genes: ALDOA (aldolase, fructose-bisphosphate A; plus strand), ASPHD1 (aspartate beta-hydroxylase domain containing 1; plus strand), C16orf54 (chromosome 16 open reading frame 54; minus strand), C16orf92 (chromosome 16 open reading frame 92; plus strand), CDIPT (CDP-diacylglycerol--inositol 3-phosphatidyltransferase; minus strand) and 21 more. Cytogenetic location: 16p11.2.
Variant type: copy number gain.
Change: copy number 2 of chr16:29,690,418-30,200,285 (509.9 kb, GRCh37 coordinates, 1-based), cytogenetic band 16p11.2.
Identifiers: ClinVar variation 4279101 (VCV004279101.1).

ClinVar aggregate classification (germline): Pathogenic (1 of 4 stars; one submission).

Conditions:
Chromosome 16p11.2 duplication syndrome. Identifiers: Orphanet 370079, MedGen C3553407, MONDO:0013847, OMIM 614671.

Submission:

Molecular Medicine Center, Markusovszky University Teaching Hospital
Classification: Pathogenic for Chromosome 16p11.2 duplication syndrome. Last evaluated: 2025-05-02. Review status: criteria provided, single submitter. Criteria: ACGS Best Practice Guidelines for Variant Classification in Rare Disease 2024. Collection method: clinical testing. Allele origin: germline. Affected: yes.
Comment: The chromosomal region 16p11.2 is a well-known hotspot for microdeletions and microduplications. The proximal segment (closer to the centromere) is a dosage-sensitive region, where deletions or duplications are frequently associated with neurodevelopmental disorders, autism spectrum disorder, learning difficulties, and either underweight or obesity. The investigated copy number variant shows overlap with a dosage-sensitive, triplosensitive gene or genomic region previously confirmed in the literature, which is known to cause a clinical phenotype when copy number changes occur (A2). Information regarding inheritance is not available. The patient’s phenotype is consistent with the clinical presentation described in the literature for similar genetic alterations (PMID: 18184952, 21731881, 21841781) (5H).

Literature cited by the submitters: PubMed 18184952; PubMed 21731881; PubMed 21841781; PubMed 41155467.